The following is an entry in ClinVar:

ClinVar aggregate classification (germline): Conflicting classifications of pathogenicity. Review status: criteria provided, conflicting classifications (1 of 4 stars). 3 submissions from 3 submitters: Uncertain significance (2); Benign (1). Last evaluated 2026-01-22.

Conditions:
Bethlem myopathy 1A. Also called: Bethlem myopathy 1; MYOPATHY, BENIGN CONGENITAL, WITH CONTRACTURES; Bethlem Muscular Dystrophy. Identifiers: Orphanet 610, MedGen CN029274, MONDO:0024530, OMIM 158810.

Allele frequency attached by ClinVar (database versions not stated): TOPMed 0.00001; gnomAD 0.00003.
gnomAD v4.1: 35 of 1,559,076 alleles (0.0022%); highest among the groups gnomAD compares: Non-Finnish European, 0.003%; no homozygotes.

Submissions (3):

GeneDx
Classification: Uncertain significance. Last evaluated: 2026-01-22. Review status: criteria provided, single submitter. Criteria: GeneDx Variant Classification Process June 2021. Collection method: clinical testing. Allele origin: germline.
Comment: Not observed at significant frequency in large population cohorts (gnomAD); In silico analysis supports that this missense variant has a deleterious effect on protein structure/function; Has not been previously published as pathogenic or benign to our knowledge

Labcorp Genetics (formerly Invitae), Labcorp
Classification: Benign for Bethlem myopathy 1A. Last evaluated: 2024-12-27. Review status: criteria provided, single submitter. Criteria: Invitae Variant Classification Sherloc (09022015). Collection method: clinical testing. Allele origin: germline.

Eurofins Ntd Llc (ga)
Classification: Uncertain significance. Last evaluated: 2018-07-03. Review status: criteria provided, single submitter. Criteria: EGL ClinVar v180209 classification definitions. Collection method: clinical testing. Allele origin: germline. Observed: 1 variant allele, 1 heterozygote.

NM_001848.3(COL6A1):c.434C>G (p.Ser145Cys)

Gene: COL6A1 (collagen type VI alpha 1 chain; plus strand). Cytogenetic location: 21q22.3.
Variant type: single nucleotide variant.
Coding change: c.434C>G on transcript NM_001848.3 (MANE Select); coding-DNA position 434, C replaced by G.
Protein change: p.Ser145Cys; replaces serine 145 with cysteine.
Molecular consequence: missense variant.
Genome position (GRCh38, 1-based): chr21:45,986,531, C>G. VCF-style: chr21-45986531-C-G. GRCh37 (hg19) VCF-style: chr21-47406445-C-G.
Other names: c.434C>G (NM_001848.2); short protein forms S145C.
Identifiers: ClinVar variation 597836 (VCV000597836.8), dbSNP rs781164042, ClinGen allele CA321958521.
Genomic context (GRCh38, chr21:45,986,531, plus strand): 5'-TCCCTCCAGTTCCCCCACCTAGTCTCGAGGTCTCACGCTGCCCTCTCCTGTCCAGGGGCT[C>G]CCACCTGAAGGAGAATAAGTACCTGATTGTGGTGACCGACGGGCACCCCCTGGAGGGCTA-3'
Protein context (NP_001839.2, residues 135-155): KGLEQLLVGG[Ser145Cys]HLKENKYLIV